The following is an entry in ClinVar:

ClinVar aggregate classification (germline): Likely pathogenic (1 of 4 stars; one submission).

gnomAD v4.1: 1 of 1,613,710 alleles (0.000062%); highest among the groups gnomAD compares: East Asian, 0.0022%; no homozygotes.

Submission:

GeneDx
Classification: Likely pathogenic. Last evaluated: 2017-01-25. Review status: criteria provided, single submitter. Criteria: GeneDx Variant Classification (06012015). Collection method: clinical testing. Allele origin: germline. Affected: yes.
Comment: The G716R variant has been reported previously in the homozygous state in patients with LAD-1 (Esmaeili et al., 2014; Taghizade et al., 2015). It was not observed in approximately 6,500 individuals of European and African American ancestry in the NHLBI Exome Sequencing Project, indicating it is not a common benign variant in these populations. G716R is a non-conservative amino acid substitution, which is likely to impact secondary protein structure as these residues differ in polarity, charge, size and/or other properties. This substitution occurs at a position that is conserved across species and in silico analysis predicts this variant is probably damaging to the protein structure/function. Additionally, a different missense change at the same residue (G716A) has been reported in in the homozygous state in a patient with LAD-1 (Parvaneh et al., 2010). Therefore, this variant is likely pathogenic; however, the possibility that it is benign cannot be excluded.

NM_000211.5(ITGB2):c.2146G>C (p.Gly716Arg)

Gene: ITGB2 (integrin subunit beta 2; minus strand). Cytogenetic location: 21q22.3.
Variant type: single nucleotide variant.
Coding change: c.2146G>C on transcript NM_000211.5 (MANE Select); coding-DNA position 2146, G replaced by C.
Protein change: p.Gly716Arg; replaces glycine 716 with arginine.
Molecular consequence: missense variant.
Genome position (GRCh38, 1-based): chr21:44,886,837, C>G on the plus strand (G>C on the coding strand, the complement: ITGB2 is on the minus strand). VCF-style: chr21-44886837-C-G. GRCh37 (hg19) VCF-style: chr21-46306752-C-G.
Other names: c.2146G>C (LRG_76t1); c.2146G>C, p.Gly716Arg (NM_001127491.3); c.1939G>C, p.Gly647Arg (NM_001303238.2); short protein forms G716R, G647R.
Identifiers: ClinVar variation 420118 (VCV000420118.2), dbSNP rs1064794297, ClinGen allele CA16621021.